The following is an entry in ClinVar:

NM_000350.3(ABCA4):c.3212C>T (p.Ser1071Leu)

Gene: ABCA4 (ATP binding cassette subfamily A member 4; minus strand). Cytogenetic location: 1p22.1.
Variant type: single nucleotide variant.
Coding change: c.3212C>T on transcript NM_000350.3 (MANE Select); coding-DNA position 3212, C replaced by T.
Protein change: p.Ser1071Leu; replaces serine 1071 with leucine.
Molecular consequence: missense variant.
Genome position (GRCh38, 1-based): chr1:94,042,877, G>A on the plus strand (C>T on the coding strand, the complement: ABCA4 is on the minus strand). VCF-style: chr1-94042877-G-A. GRCh37 (hg19) VCF-style: chr1-94508433-G-A.
Other names: NP_000341.2:p.(Ser1071Leu); c.2990C>T, p.Ser997Leu (NM_001425324.1); short protein forms S1071L, S997L.
Identifiers: ClinVar variation 99208 (VCV000099208.18), dbSNP rs61750065, ClinGen allele CA227093.
Genomic context (GRCh38, chr1:94,042,877, plus strand): 5'-CCAGAGGTGGGTTCGTCCAGAATCACCACCTTGGCATCTCCCACAAAGGCAATGGCAACC[G>A]ACAGCTTTCTCTGCATGCCACCTGGAGGCACAAGAAGGACGGGAGAGTTAAGGGGCTGTG-3'
Protein context (NP_000341.2, residues 1061-1081): DLSGGMQRKL[Ser1071Leu]VAIAFVGDAK

ClinVar aggregate classification (germline): Pathogenic. Review status: criteria provided, multiple submitters, no conflicts (2 of 4 stars). 9 submissions from 9 submitters: Pathogenic (7). 2 of the submissions do not count toward it. Last evaluated 2025-07-14.

Conditions:
ABCA4-related disorder. Also called: ABCA4-related condition; ABCA4-related disorders. Identifiers: MedGen CN239167.
Retinal dystrophy. Also called: Inherited retinal dystrophy. Identifiers: Orphanet 71862, MedGen C0854723, MeSH D058499, MONDO:0019118, HP:0000556.
Cone-rod dystrophy 3 (CORD3). Identifiers: Orphanet 1872, MedGen C1858806, MONDO:0011395, OMIM 604116.
Age related macular degeneration 2. Also called: MACULAR DEGENERATION, SENILE; MACULOPATHY, AGE-RELATED, 2; MACULOPATHY, AGE-RELATED. Identifiers: MedGen C3495438, MONDO:0007932, OMIM 153800.
Retinitis pigmentosa 19 (RP19). Also called: ABCA4-Related Retinitis Pigmentosa. Identifiers: Orphanet 791, MedGen C1866422, MONDO:0011137, OMIM 601718.
Severe early-childhood-onset retinal dystrophy (STGD1). Also called: MACULAR DYSTROPHY WITH FLECKS, TYPE 1; STGD; Stargardt disease 1; Stargardt macular dystrophy; Juvenile onset macular degeneration. Identifiers: Orphanet 364055, Orphanet 827, MedGen C1855465, MeSH D000080362, MONDO:0009549, OMIM 248200.
Retinitis pigmentosa (RP). Identifiers: Orphanet 791, MedGen C0035334, MeSH D012174, MONDO:0019200, OMIM 268000. Inheritance: Autosomal dominant, autosomal recessive and X linked inheritance.
Cone-rod dystrophy. Also called: Cone-rod degeneration; Cone/cone-rod dystrophy. Identifiers: Orphanet 1872, MedGen C4085590, MONDO:0015993, HP:0000548.

Allele frequency attached by ClinVar (database versions not stated): gnomAD exomes 0.00001; ExAC 0.00002; gnomAD 0.00001; 1000 Genomes Project 0.00020; TOPMed 0.00002; 1000 Genomes Project 30x 0.00031.
gnomAD v4.1: 11 of 1,614,174 alleles (0.00068%); highest among the groups gnomAD compares: South Asian, 0.0033%; no homozygotes.

Submissions (9):

Labcorp Genetics (formerly Invitae), Labcorp
Classification: Pathogenic. Last evaluated: 2025-07-14. Review status: criteria provided, single submitter. Criteria: Invitae Variant Classification Sherloc (09022015). Collection method: clinical testing. Allele origin: germline.
Comment: This sequence change replaces serine, which is neutral and polar, with leucine, which is neutral and non-polar, at codon 1071 of the ABCA4 protein (p.Ser1071Leu). This variant is present in population databases (rs61750065, gnomAD 0.006%). This missense change has been observed in individual(s) with ABCA4-related inherited retinal dystrophies (PMID: 9973280, 15192030, 26720470, 29555955; internal data). In at least one individual the data is consistent with being in trans (on the opposite chromosome) from a pathogenic variant. ClinVar contains an entry for this variant (Variation ID: 99208). Invitae Evidence Modeling of protein sequence and biophysical properties (such as structural, functional, and spatial information, amino acid conservation, physicochemical variation, residue mobility, and thermodynamic stability) indicates that this missense variant is expected to disrupt ABCA4 protein function with a positive predictive value of 95%. For these reasons, this variant has been classified as Pathogenic.

Fulgent Genetics
Classification: Pathogenic for Age related macular degeneration 2; Severe early-childhood-onset retinal dystrophy; Retinitis pigmentosa 19; Cone-rod dystrophy 3. Last evaluated: 2024-06-13. Review status: criteria provided, single submitter. Criteria: ACMG Guidelines, 2015. Collection method: clinical testing. Allele origin: germline.

Women's Health and Genetics/Laboratory Corporation of America, LabCorp
Classification: Pathogenic for Retinitis pigmentosa. Last evaluated: 2024-05-30. Review status: criteria provided, single submitter. Criteria: LabCorp Variant Classification Summary - May 2015. Collection method: clinical testing. Allele origin: germline.
Comment: Variant summary: ABCA4 c.3212C>T (p.Ser1071Leu) results in a non-conservative amino acid change located in the ABC transporter-like, ATP-binding domain (IPR003439) of the encoded protein sequence. Five of five in-silico tools predict a damaging effect of the variant on protein function. The variant allele was found at a frequency of 8e-06 in 251470 control chromosomes. c.3212C>T has been reported in the literature in multiple individuals affected with ABCA4-related inherited retinal dystrophies (examples: Lewis_1999, Stenirri_2004, Muller_2015, Birtel_2018, Peter_2023). These data indicate that the variant is very likely to be associated with disease. The following publications have been ascertained in the context of this evaluation (PMID: 29555955, 9973280, 26720470, 36909829, 15192030). ClinVar contains an entry for this variant (Variation ID: 99208). Based on the evidence outlined above, the variant was classified as pathogenic.

Ophthalmic Genetics Group, Institute of Molecular and Clinical Ophthalmology Basel
Classification: Pathogenic for Cone-rod dystrophy. Last evaluated: 2023-07-24. Review status: criteria provided, single submitter. Criteria: ACMG Guidelines, 2015. Collection method: research. Allele origin: germline. Affected: yes. Observed: 1 variant allele.
Comment: Clinical significance based on ACMG v2.0

This variant was classified as Pathogenic based on ACMG criteria: PM1, PP2, PM2, PM5, PP3, PP5.

GeneDx
Classification: Pathogenic. Last evaluated: 2023-07-11. Review status: criteria provided, single submitter. Criteria: GeneDx Variant Classification Process June 2021. Collection method: clinical testing. Allele origin: germline. Affected: yes.
Comment: In silico analysis, which includes protein predictors and evolutionary conservation, supports a deleterious effect; This variant is associated with the following publications: (PMID: 15192030, 23341817, 26720470, 31589614, 35156991, 33301772, 9973280, 29555955)

Blueprint Genetics
Classification: Pathogenic for ABCA4-related disorders. Last evaluated: 2023-03-31. Review status: criteria provided, single submitter. Criteria: ACMG Guidelines, 2015. Collection method: clinical testing. Allele origin: germline. Affected: yes. Observed: 5 variant alleles.

Dasa
Classification: Pathogenic for ABCA4-related disorder. Last evaluated: 2022-06-10. Review status: criteria provided, single submitter. Criteria: ACMG Guidelines, 2015. Collection method: clinical testing. Allele origin: germline. Observed: 1 variant allele.
Comment: The c.3212C>T;p.(Ser1071Leu) missense change has been observed in affected individual(s) and ClinVar contains an entry for this variant (ClinVar ID: 99208; PMID: 29555955; PMID: 26720470) - PS4. The variant is located in a mutational hot spot and/or critical and well-established functional domain (AAA_21; ABC_tran) - PM1. The variant is present at low allele frequencies population databases (rs61750065– gnomAD 0.0001314%; ABraOM no frequency) -PM2_supporting. The p.(Ser1071Leu) was detected in trans with a Pathogenic variant (PMID: 26720470) - PM3. Multiple lines of computational evidence support a deleterious effect on the gene or gene product - PP3. In summary, the currently available evidence indicates that the variant is Pathogenic

Institute of Human Genetics, Univ. Regensburg, Univ. Regensburg
Classification: Pathogenic for Retinal dystrophy. Last evaluated: 2007-01-01. Review status: no assertion criteria provided. Criteria: ACMG Guidelines, 2015. Collection method: clinical testing. Allele origin: germline. Affected: yes. Not counted in ClinVar's aggregate classification.

Retina International
No classification provided. Review status: no classification provided. Collection method: not provided. Allele origin: unknown. Not counted in ClinVar's aggregate classification.

Literature cited by the submitters: PubMed 9973280 (cited by Labcorp Genetics (formerly Invitae), Labcorp and Women's Health and Genetics/Laboratory Corporation of America, LabCorp); PubMed 15192030 (cited by Labcorp Genetics (formerly Invitae), Labcorp and Women's Health and Genetics/Laboratory Corporation of America, LabCorp); PubMed 26720470 (cited by 3 submitters); PubMed 29555955 (cited by 3 submitters); PubMed 36909829 (cited by Women's Health and Genetics/Laboratory Corporation of America, LabCorp and Ophthalmic Genetics Group, Institute of Molecular and Clinical Ophthalmology Basel).